The following is an entry in ClinVar:

ClinVar aggregate classification (germline): Pathogenic (1 of 4 stars; one submission).

Submission:

Labcorp Genetics (formerly Invitae), Labcorp
Classification: Pathogenic. Last evaluated: 2022-12-19. Review status: criteria provided, single submitter. Criteria: Invitae Variant Classification Sherloc (09022015). Collection method: clinical testing. Allele origin: germline.
Comment: For these reasons, this variant has been classified as Pathogenic. This variant has not been reported in the literature in individuals affected with CANT1-related conditions. This variant is not present in population databases (gnomAD no frequency). This sequence change creates a premature translational stop signal (p.Trp216*) in the CANT1 gene. It is expected to result in an absent or disrupted protein product. Loss-of-function variants in CANT1 are known to be pathogenic (PMID: 19853239, 21037275, 22539336).

Literature cited by the submitters: PubMed 19853239; PubMed 21037275; PubMed 22539336.

NM_001159773.2(CANT1):c.648G>A (p.Trp216Ter)

Gene: CANT1 (calcium activated nucleotidase 1; minus strand). Cytogenetic location: 17q25.3.
Variant type: single nucleotide variant.
Coding change: c.648G>A on transcript NM_001159773.2 (MANE Select); coding-DNA position 648, G replaced by A.
Protein change: p.Trp216Ter; replaces tryptophan 216 with a stop codon.
Molecular consequence: nonsense.
Genome position (GRCh38, 1-based): chr17:78,995,205, C>T on the plus strand (G>A on the coding strand, the complement: CANT1 is on the minus strand). VCF-style: chr17-78995205-C-T. GRCh37 (hg19) VCF-style: chr17-76991287-C-T.
Other names: c.648G>A, p.Trp216Ter (NM_001159772.2, NM_138793.4); short protein forms W216*.
Identifiers: ClinVar variation 2820692 (VCV002820692.3), dbSNP rs2509810372, ClinGen allele CA401307370.